The following is an entry in ClinVar:

ClinVar aggregate classification (germline): Uncertain significance (1 of 4 stars; one submission).

gnomAD v4.1: 5 of 1,614,090 alleles (0.00031%); highest among the groups gnomAD compares: African/African-American, 0.004%; no homozygotes.

Submission:

Labcorp Genetics (formerly Invitae), Labcorp
Classification: Uncertain significance. Last evaluated: 2025-04-22. Review status: criteria provided, single submitter. Criteria: Invitae Variant Classification Sherloc (09022015). Collection method: clinical testing. Allele origin: germline.
Comment: This sequence change replaces asparagine, which is neutral and polar, with serine, which is neutral and polar, at codon 103 of the IL18BP protein (p.Asn103Ser). This variant is present in population databases (rs770952779, gnomAD 0.007%). This variant has not been reported in the literature in individuals affected with IL18BP-related conditions. ClinVar contains an entry for this variant (Variation ID: 3677695). An algorithm developed to predict the effect of missense changes on protein structure and function (PolyPhen-2) suggests that this variant is likely to be disruptive. In summary, the available evidence is currently insufficient to determine the role of this variant in disease. Therefore, it has been classified as a Variant of Uncertain Significance.

NM_001039660.2(IL18BP):c.308A>G (p.Asn103Ser)

Gene: IL18BP (interleukin 18 binding protein; plus strand). Cytogenetic location: 11q13.4.
Variant type: single nucleotide variant.
Coding change: c.308A>G on transcript NM_001039660.2 (MANE Select); coding-DNA position 308, A replaced by G.
Protein change: p.Asn103Ser; replaces asparagine 103 with serine.
Molecular consequence: missense variant. On other transcripts: intron variant (1).
Genome position (GRCh38, 1-based): chr11:72,001,273, A>G. VCF-style: chr11-72001273-A-G. GRCh37 (hg19) VCF-style: chr11-71712319-A-G.
Other names: c.308A>G, p.Asn103Ser (NM_001039659.2, NM_001145057.1, NM_005699.3 and 2 more transcripts); c.236-511A>G (NM_001145055.1); short protein forms N103S.
Identifiers: ClinVar variation 3677695 (VCV003677695.2).